The following is an entry in ClinVar:

ClinVar aggregate classification (germline): Benign. Review status: criteria provided, multiple submitters, no conflicts (2 of 4 stars). 3 submissions from 3 submitters: Benign (3). Last evaluated 2026-02-02.

Allele frequency attached by ClinVar (database versions not stated): ESP Exome Variant Server 0.00869; gnomAD 0.02751; TOPMed 0.03680; 1000 Genomes Project 0.06290; 1000 Genomes Project 30x 0.06449.
gnomAD v4.1: 39,591 of 1,608,386 alleles (2.5%); highest among the groups gnomAD compares: Admixed American, 25%; 2,783 homozygotes.

Submissions (19):

Labcorp Genetics (formerly Invitae), Labcorp
Classification: Benign. Last evaluated: 2026-02-02. Review status: criteria provided, single submitter. Criteria: Invitae Variant Classification Sherloc (09022015). Collection method: clinical testing. Allele origin: germline.

Mayo Clinic Laboratories, Mayo Clinic
Classification: Benign. Last evaluated: 2022-10-27. Review status: criteria provided, single submitter. Criteria: ACMG Guidelines, 2015. Collection method: clinical testing. Allele origin: germline. Observed: 65 variant alleles.

GeneDx
Classification: Benign. Last evaluated: 2016-01-22. Review status: criteria provided, single submitter. Criteria: GeneDx Variant Classification (06012015). Collection method: clinical testing. Allele origin: germline. Affected: yes.
Comment: This variant is considered likely benign or benign based on one or more of the following criteria: it is a conservative change, it occurs at a poorly conserved position in the protein, it is predicted to be benign by multiple in silico algorithms, and/or has population frequency not consistent with disease.

Dr. Peter K. Rogan Lab, Western University
No classification provided (evidence only). Condition: Lung cancer. Review status: no classification provided. Collection method: in vitro. Allele origin: not applicable. Functional consequence: retained intron. Not counted in ClinVar's aggregate classification.

Dr. Peter K. Rogan Lab, Western University
No classification provided (evidence only). Condition: Lung cancer. Review status: no classification provided. Collection method: in vitro. Allele origin: not applicable. Functional consequence: skipped exon. Not counted in ClinVar's aggregate classification.

Dr. Peter K. Rogan Lab, Western University
No classification provided (evidence only). Condition: Lung cancer. Review status: no classification provided. Collection method: in vitro. Allele origin: not applicable. Functional consequence: skipped exon. Not counted in ClinVar's aggregate classification.

Dr. Peter K. Rogan Lab, Western University
No classification provided (evidence only). Condition: Melanoma. Review status: no classification provided. Collection method: in vitro. Allele origin: not applicable. Functional consequence: skipped exon. Not counted in ClinVar's aggregate classification.

Dr. Peter K. Rogan Lab, Western University
No classification provided (evidence only). Condition: Melanoma. Review status: no classification provided. Collection method: in vitro. Allele origin: not applicable. Functional consequence: retained intron. Not counted in ClinVar's aggregate classification.

Dr. Peter K. Rogan Lab, Western University
No classification provided (evidence only). Condition: Melanoma. Review status: no classification provided. Collection method: in vitro. Allele origin: not applicable. Functional consequence: retained intron. Not counted in ClinVar's aggregate classification.

Dr. Peter K. Rogan Lab, Western University
No classification provided (evidence only). Condition: Colon adenocarcinoma. Review status: no classification provided. Collection method: in vitro. Allele origin: not applicable. Functional consequence: skipped exon. Not counted in ClinVar's aggregate classification.

Dr. Peter K. Rogan Lab, Western University
No classification provided (evidence only). Condition: Colon adenocarcinoma. Review status: no classification provided. Collection method: in vitro. Allele origin: not applicable. Functional consequence: skipped exon. Not counted in ClinVar's aggregate classification.

Dr. Peter K. Rogan Lab, Western University
No classification provided (evidence only). Condition: Colon adenocarcinoma. Review status: no classification provided. Collection method: in vitro. Allele origin: not applicable. Functional consequence: skipped exon. Not counted in ClinVar's aggregate classification.

Dr. Peter K. Rogan Lab, Western University
No classification provided (evidence only). Condition: Uterine corpus endometrial carcinoma. Review status: no classification provided. Collection method: in vitro. Allele origin: not applicable. Functional consequence: retained intron. Not counted in ClinVar's aggregate classification.

Dr. Peter K. Rogan Lab, Western University
No classification provided (evidence only). Condition: Sarcoma. Review status: no classification provided. Collection method: in vitro. Allele origin: not applicable. Functional consequence: skipped exon, retained intron. Not counted in ClinVar's aggregate classification.

Dr. Peter K. Rogan Lab, Western University
No classification provided (evidence only). Condition: Thymoma. Review status: no classification provided. Collection method: in vitro. Allele origin: not applicable. Functional consequence: skipped exon. Not counted in ClinVar's aggregate classification.

Dr. Peter K. Rogan Lab, Western University
No classification provided (evidence only). Condition: Thymoma. Review status: no classification provided. Collection method: in vitro. Allele origin: not applicable. Functional consequence: retained intron. Not counted in ClinVar's aggregate classification.

Dr. Peter K. Rogan Lab, Western University
No classification provided (evidence only). Condition: Ovarian serous cystadenocarcinoma. Review status: no classification provided. Collection method: in vitro. Allele origin: not applicable. Functional consequence: retained intron. Not counted in ClinVar's aggregate classification.

Dr. Peter K. Rogan Lab, Western University
No classification provided (evidence only). Condition: Ovarian serous cystadenocarcinoma. Review status: no classification provided. Collection method: in vitro. Allele origin: not applicable. Functional consequence: retained intron. Not counted in ClinVar's aggregate classification.

Dr. Peter K. Rogan Lab, Western University
No classification provided (evidence only). Condition: Malignant tumor of esophagus. Review status: no classification provided. Collection method: in vitro. Allele origin: not applicable. Functional consequence: retained intron. Not counted in ClinVar's aggregate classification.

NM_002887.4(RARS1):c.1368G>A (p.Ser456=)

Gene: RARS1 (arginyl-tRNA synthetase 1; plus strand). Cytogenetic location: 5q34.
Variant type: single nucleotide variant.
Coding change: c.1368G>A on transcript NM_002887.4 (MANE Select); coding-DNA position 1368, G replaced by A.
Protein change: p.Ser456=; no amino-acid change (serine 456 retained).
Molecular consequence: synonymous variant.
Genome position (GRCh38, 1-based): chr5:168,510,602, G>A. VCF-style: chr5-168510602-G-A. GRCh37 (hg19) VCF-style: chr5-167937607-G-A.
Other names: p.Ser456=.
Identifiers: ClinVar variation 380084 (VCV000380084.12), dbSNP rs2290629, ClinGen allele CA3549912.
Genomic context (GRCh38, chr5:168,510,602, plus strand): 5'-TCTGTTTCAAAATCTGATTGGGGGTTTTACATTTTTTAGGAAAAAGTTTAAAACACGTTC[G>A]GGTGAAACAGTGCGCCTCATGGATCTTCTGGGAGAAGGACTAAAACGATCCATGGACAAG-3'
Protein context (NP_002878.2, residues 446-466): GEDKKKFKTR[Ser456=]GETVRLMDLL